The following is an entry in ClinVar:

NM_014694.4(ADAMTSL2):c.58G>A (p.Val20Ile)

Gene: ADAMTSL2 (ADAMTS like 2; plus strand). Cytogenetic location: 9q34.2.
Variant type: single nucleotide variant.
Coding change: c.58G>A on transcript NM_014694.4 (MANE Select); coding-DNA position 58, G replaced by A.
Protein change: p.Val20Ile; replaces valine 20 with isoleucine.
Molecular consequence: missense variant.
Genome position (GRCh38, 1-based): chr9:133,536,770, G>A. VCF-style: chr9-133536770-G-A. GRCh37 (hg19) VCF-style: chr9-136401892-G-A.
Other names: c.58G>A, p.Val20Ile (NM_001145320.2); short protein forms V20I.
Identifiers: ClinVar variation 365571 (VCV000365571.35), dbSNP rs145897018, ClinGen allele CA5312452.

ClinVar aggregate classification (germline): Conflicting classifications of pathogenicity. Review status: criteria provided, conflicting classifications (1 of 4 stars). 8 submissions from 8 submitters: Uncertain significance (3); Likely benign (4). 1 of the submissions does not count toward it. Last evaluated 2026-05-18.

Conditions:
ADAMTSL2-related disorder. Also called: ADAMTSL2-related condition.
Geleophysic dysplasia 1 (GPHYSD1). Also called: Geleophysic dwarfism. Identifiers: Orphanet 2623, MedGen C3278147, MONDO:0009269, OMIM 231050.

Allele frequency attached by ClinVar (database versions not stated): 1000 Genomes Project 30x 0.00031; 1000 Genomes Project 0.00040; gnomAD 0.00121 and 0.00129; TOPMed 0.00122; ESP Exome Variant Server 0.00123; gnomAD exomes 0.00133 and 0.00154; ExAC 0.00141.
gnomAD v4.1: 2,152 of 1,614,220 alleles (0.13%); highest among the groups gnomAD compares: Middle Eastern, 0.28%; 4 homozygotes.

Submissions (8):

Women's Health and Genetics/Laboratory Corporation of America, LabCorp
Classification: Likely benign. Last evaluated: 2026-05-18. Review status: criteria provided, single submitter. Criteria: LabCorp Variant Classification Summary - May 2015. Collection method: clinical testing. Allele origin: germline.
Comment: Variant summary: ADAMTSL2 c.58G>A (p.Val20Ile) results in a conservative amino acid change in the encoded protein sequence. Algorithms developed to predict the effect of missense changes on protein structure and function all suggest that this variant is likely to be tolerated. The variant allele was found at a frequency of 0.0015 in 251258 control chromosomes in the gnomAD database, including 2 homozygotes. The observed variant frequency exceeds the estimated maximal expected allele frequency for disease-causing variants in ADAMTSL2. c.58G>A has been observed in the compound heterozygous state in at least 1 individual(s) affected with clinical features of ADAMTSL2-related conditions (example, Belanger_2023) without strong evidence for causality. These report(s) do not provide unequivocal conclusions about association of the variant with disease. To our knowledge, no experimental evidence demonstrating an impact on protein function has been reported. The following publication has been ascertained in the context of this evaluation (PMID: 36474027). ClinVar contains an entry for this variant (Variation ID: 365571). Based on the evidence outlined above, the variant was classified as likely benign.

Blueprint Genetics
Classification: Likely benign. Last evaluated: 2024-11-27. Review status: criteria provided, single submitter. Criteria: ACMG Guidelines, 2015. Collection method: clinical testing. Allele origin: germline.

CeGaT Center for Human Genetics Tuebingen
Classification: Likely benign. Last evaluated: 2023-10-01. Review status: criteria provided, single submitter. Criteria: CeGaT Center For Human Genetics Tuebingen Variant Classification Criteria Version 2. Collection method: clinical testing. Allele origin: germline. Affected: yes. Observed: 1 variant allele.
Comment: ADAMTSL2: BP4, BS1

Daryl Scott Lab, Baylor College of Medicine
Classification: Uncertain significance for Geleophysic dysplasia 1. Last evaluated: 2022-02-01. Review status: criteria provided, single submitter. Criteria: ACMG Guidelines, 2015. Collection method: clinical testing. Allele origin: biparental. Observed: 1 variant allele, 1 compound heterozygote.

Department of Pathology and Laboratory Medicine, Sinai Health System
Classification: Likely benign for geleophysic dysplasia 1. Last evaluated: 2020-07-13. Review status: criteria provided, single submitter. Criteria: ACMG Guidelines, 2015. Collection method: research. Allele origin: germline.

Illumina Laboratory Services, Illumina
Classification: Uncertain significance for Geleophysic dysplasia 1. Last evaluated: 2018-01-12. Review status: criteria provided, single submitter. Criteria: ICSL Variant Classification Criteria 13 December 2019. Collection method: clinical testing. Allele origin: germline.

Breakthrough Genomics
Classification: Uncertain significance. Review status: criteria provided, single submitter. Criteria: ACMG Guidelines, 2015. Collection method: not provided. Allele origin: germline. Inheritance: Autosomal recessive inheritance. Affected: yes.

PreventionGenetics, part of Exact Sciences
Classification: Benign for ADAMTSL2-related condition. Last evaluated: 2020-10-27. Review status: no assertion criteria provided. Collection method: clinical testing. Allele origin: germline. Not counted in ClinVar's aggregate classification.
Comment: This variant is classified as benign based on ACMG/AMP sequence variant interpretation guidelines (Richards et al. 2015 PMID: 25741868, with internal and published modifications).

Literature cited by the submitters: PubMed 36474027 (cited by Women's Health and Genetics/Laboratory Corporation of America, LabCorp and Daryl Scott Lab, Baylor College of Medicine).